The following is an entry in ClinVar:

ClinVar aggregate classification (germline): Pathogenic (1 of 4 stars; one submission).

Conditions:
Methylmalonic aciduria, cblA type (MACA). Also called: Methylmalonic aciduria, vitamin b12-responsive, due to defect in synthesis of adenosylcobalamin, cbla complementation type; MMA cbl A type; Methylmalonic acidemia cblA type; Methylmalonic aciduria, vitamin B12-responsive; Vitamin B12-responsive methylmalonic acidemia type cblA. Identifiers: Orphanet 28, Orphanet 79310, MedGen C1855109, MONDO:0009613, OMIM 251100.

Submission:

Myriad Genetics, Inc.
Classification: Pathogenic for Methylmalonic aciduria, cblA type. Last evaluated: 2024-02-26. Review status: criteria provided, single submitter. Criteria: Myriad Autosomal Dominant, Autosomal Recessive and X-Linked Classification Criteria (2023). Collection method: clinical testing. Allele origin: unknown.
Comment: NM_172250.2(MMAA):c.496dupA(M166Nfs*4) is expected to be pathogenic in the context of methylmalonic acidemia, cblA type. This variant is predicted to lead to an abnormal or absent protein product due to the creation of a premature termination codon in MMAA, a gene where loss-of-function variants are known to be pathogenic. Please note: this variant was assessed in the context of healthy population screening.

NM_172250.3(MMAA):c.496dup (p.Met166fs)

Gene: MMAA (metabolism of cobalamin associated A; plus strand). Cytogenetic location: 4q31.21.
Variant type: Duplication.
Coding change: c.496dup on transcript NM_172250.3 (MANE Select); coding-DNA position 496, one base duplicated (A; older notation c.496dupA).
Protein change: p.Met166fs; shifts the reading frame from methionine 166.
Molecular consequence: frameshift variant.
Genome position (GRCh38, 1-based): chr4:145,642,419, A duplicated; the last of 5 consecutive A bases (chr4:145,642,415-145,642,419); duplicating any one gives the same sequence. VCF-style (leftmost placement, unchanged base first): chr4-145642414-G-GA. GRCh37 (hg19) VCF-style: chr4-146563566-G-GA.
Other names: c.496dup, p.Met166fs (NM_001375644.1); short protein forms M166fs.
Identifiers: ClinVar variation 5012776 (VCV005012776.1).